The following is an entry in ClinVar:

ClinVar aggregate classification (germline): Uncertain significance. Review status: criteria provided, multiple submitters, no conflicts (2 of 4 stars). 2 submissions from 2 submitters: Uncertain significance (2). Last evaluated 2025-06-12.

Conditions:
Inborn genetic diseases. Identifiers: MedGen C0950123, MeSH D030342.

Allele frequency attached by ClinVar (database versions not stated): ESP Exome Variant Server 0.00008; ExAC 0.00001; TOPMed 0.00005; gnomAD 0.00002.
gnomAD v4.1: 22 of 1,614,088 alleles (0.0014%); highest among the groups gnomAD compares: Middle Eastern, 0.016%; no homozygotes.

Submissions (2):

Labcorp Genetics (formerly Invitae), Labcorp
Classification: Uncertain significance. Last evaluated: 2025-06-12. Review status: criteria provided, single submitter. Criteria: Invitae Variant Classification Sherloc (09022015). Collection method: clinical testing. Allele origin: germline.
Comment: This sequence change replaces serine, which is neutral and polar, with leucine, which is neutral and non-polar, at codon 367 of the UMOD protein (p.Ser367Leu). This variant is present in population databases (rs138178893, gnomAD 0.007%). This variant has not been reported in the literature in individuals affected with UMOD-related conditions. ClinVar contains an entry for this variant (Variation ID: 3186398). Invitae Evidence Modeling of protein sequence and biophysical properties (such as structural, functional, and spatial information, amino acid conservation, physicochemical variation, residue mobility, and thermodynamic stability) indicates that this missense variant is not expected to disrupt UMOD protein function with a negative predictive value of 80%. In summary, the available evidence is currently insufficient to determine the role of this variant in disease. Therefore, it has been classified as a Variant of Uncertain Significance.

Ambry Genetics
Classification: Uncertain significance for Inborn genetic diseases. Last evaluated: 2024-02-13. Review status: criteria provided, single submitter. Criteria: Ambry Variant Classification Scheme 2023. Collection method: clinical testing. Allele origin: germline.

NM_003361.4(UMOD):c.1100C>T (p.Ser367Leu)

Gene: UMOD (uromodulin; minus strand). Cytogenetic location: 16p12.3.
Variant type: single nucleotide variant.
Coding change: c.1100C>T on transcript NM_003361.4 (MANE Select); coding-DNA position 1100, C replaced by T.
Protein change: p.Ser367Leu; replaces serine 367 with leucine.
Molecular consequence: missense variant. On other transcripts: non-coding transcript variant (1).
Genome position (GRCh38, 1-based): chr16:20,346,208, G>A on the plus strand (C>T on the coding strand, the complement: UMOD is on the minus strand). VCF-style: chr16-20346208-G-A. GRCh37 (hg19) VCF-style: chr16-20357530-G-A.
Other names: c.1100C>T, p.Ser367Leu (NM_001008389.3, NM_001378232.1, NM_001378233.1 and 3 more transcripts); c.1199C>T, p.Ser400Leu (NM_001278614.2); short protein forms S400L, S367L.
Identifiers: ClinVar variation 3186398 (VCV003186398.3), dbSNP rs138178893, ClinGen allele CA7939299.